The following is an entry in ClinVar:

NM_025000.4(DCAF17):c.1016C>T (p.Ser339Phe)

Gene: DCAF17 (DDB1 and CUL4 associated factor 17; plus strand). Cytogenetic location: 2q31.1.
Variant type: single nucleotide variant.
Coding change: c.1016C>T on transcript NM_025000.4 (MANE Select); coding-DNA position 1016, C replaced by T.
Protein change: p.Ser339Phe; replaces serine 339 with phenylalanine.
Molecular consequence: missense variant. On other transcripts: non-coding transcript variant (1), intron variant (1).
Genome position (GRCh38, 1-based): chr2:171,473,900, C>T. VCF-style: chr2-171473900-C-T. GRCh37 (hg19) VCF-style: chr2-172330410-C-T.
Other names: c.982-4087C>T (NM_001164821.2); short protein forms S339F.
Identifiers: ClinVar variation 1309531 (VCV001309531.2), dbSNP rs1696377542, ClinGen allele CA349278782.
Genomic context (GRCh38, chr2:171,473,900, plus strand): 5'-TCTTTAATACTTTTTTCCAACTTCAGGCAAAAAATGGGATCCAAGAAATGGATTGTTGTT[C>T]TCTAGAATCTGACTGGATCTATTTCCATCCTGATGCTTCTGGTAGAATAATACATGTTGG-3'
Protein context (NP_079276.2, residues 329-349): KNGIQEMDCC[Ser339Phe]LESDWIYFHP

ClinVar aggregate classification (germline): Uncertain significance (1 of 4 stars; one submission).

Allele frequency attached by ClinVar (database versions not stated): TOPMed 0.00001.

Submission:

GeneDx
Classification: Uncertain significance. Last evaluated: 2019-10-17. Review status: criteria provided, single submitter. Criteria: GeneDx Variant Classification Process June 2021. Collection method: clinical testing. Allele origin: germline. Affected: yes.
Comment: Not observed in large population cohorts (Lek et al., 2016); In silico analysis, which includes protein predictors and evolutionary conservation, supports a deleterious effect; Has not been previously published as pathogenic or benign to our knowledge